The following is an entry in ClinVar:

NM_001080467.3(MYO5B):c.4221+4G>A

Gene: MYO5B (myosin VB; minus strand). Cytogenetic location: 18q21.1.
Variant type: single nucleotide variant.
Coding change: c.4221+4G>A on transcript NM_001080467.3 (MANE Select); 4 bases into the intron after coding-DNA position 4221, G replaced by A.
Molecular consequence: intron variant.
Genome position (GRCh38, 1-based): chr18:49,853,445, C>T on the plus strand (G>A on the coding strand, the complement: MYO5B is on the minus strand). VCF-style: chr18-49853445-C-T. GRCh37 (hg19) VCF-style: chr18-47379815-C-T.
Identifiers: ClinVar variation 4781824 (VCV004781824.1).
Genomic context (GRCh38, chr18:49,853,445, plus strand): 5'-CGATCCCATTTGCTTCTAGAACGTGACTTCCCAAAGCTGGGGTCCACTAGACATGGCTAC[C>T]CACCAGATTCTCGTTGGTCAGCCGGGATATTTCCTGCTGAACGCCGAATTCCACCTGGGC-3'

ClinVar aggregate classification (germline): Uncertain significance (1 of 4 stars; one submission).

gnomAD v4.1: 1 of 1,614,090 alleles (0.000062%); highest among the groups gnomAD compares: Admixed American, 0.0017%; no homozygotes.

Submission:

Labcorp Genetics (formerly Invitae), Labcorp
Classification: Uncertain significance. Last evaluated: 2025-04-17. Review status: criteria provided, single submitter. Criteria: Invitae Variant Classification Sherloc (09022015). Collection method: clinical testing. Allele origin: germline.
Comment: This sequence change falls in intron 31 of the MYO5B gene. It does not directly change the encoded amino acid sequence of the MYO5B protein. It affects a nucleotide within the consensus splice site. This variant is present in population databases (no rsID available, gnomAD 0.004%). This variant has not been reported in the literature in individuals affected with MYO5B-related conditions. Variants that disrupt the consensus splice site are a relatively common cause of aberrant splicing (PMID: 17576681, 9536098). Algorithms developed to predict the effect of sequence changes on RNA splicing suggest that this variant is not likely to affect RNA splicing. In summary, the available evidence is currently insufficient to determine the role of this variant in disease. Therefore, it has been classified as a Variant of Uncertain Significance.

Literature cited by the submitters: PubMed 17576681; PubMed 9536098.